The following is an entry in ClinVar:

NM_001257096.2(PAX1):c.457C>T (p.Arg153Cys)

Gene: PAX1 (paired box 1; plus strand). Cytogenetic location: 20p11.22.
Variant type: single nucleotide variant.
Coding change: c.457C>T on transcript NM_001257096.2 (MANE Select); coding-DNA position 457, C replaced by T.
Protein change: p.Arg153Cys; replaces arginine 153 with cysteine.
Molecular consequence: missense variant.
Genome position (GRCh38, 1-based): chr20:21,706,608, C>T. VCF-style: chr20-21706608-C-T. GRCh37 (hg19) VCF-style: chr20-21687246-C-T.
Other names: c.457C>T, p.Arg153Cys (NM_006192.5); short protein forms R153C.
Identifiers: ClinVar variation 1351100 (VCV001351100.8), dbSNP rs2122133218, ClinGen allele CA408498017.

ClinVar aggregate classification (germline): Uncertain significance (1 of 4 stars; one submission).

Submission:

Labcorp Genetics (formerly Invitae), Labcorp
Classification: Uncertain significance. Last evaluated: 2022-06-27. Review status: criteria provided, single submitter. Criteria: Invitae Variant Classification Sherloc (09022015). Collection method: clinical testing. Allele origin: germline.
Comment: In summary, the available evidence is currently insufficient to determine the role of this variant in disease. Therefore, it has been classified as a Variant of Uncertain Significance. Algorithms developed to predict the effect of missense changes on protein structure and function (SIFT, PolyPhen-2, Align-GVGD) all suggest that this variant is likely to be disruptive. This variant has not been reported in the literature in individuals affected with PAX1-related conditions. This variant is not present in population databases (gnomAD no frequency). This sequence change replaces arginine, which is basic and polar, with cysteine, which is neutral and slightly polar, at codon 153 of the PAX1 protein (p.Arg153Cys).